The following is an entry in ClinVar:

ClinVar aggregate classification (germline): Uncertain significance (1 of 4 stars; one submission).

Conditions:
Early-infantile DEE. Also called: Ohtahara syndrome; Early infantile epileptic encephalopathy with suppression bursts; Early infantile epileptic encephalopathy. Identifiers: Orphanet 1934, MedGen C0393706, MONDO:0800491.

Submission:

Labcorp Genetics (formerly Invitae), Labcorp
Classification: Uncertain significance for Early-infantile DEE. Last evaluated: 2023-03-17. Review status: criteria provided, single submitter. Criteria: Invitae Variant Classification Sherloc (09022015). Collection method: clinical testing. Allele origin: germline.
Comment: This variant has not been reported in the literature in individuals affected with KCNH5-related conditions. In summary, the available evidence is currently insufficient to determine the role of this variant in disease. Therefore, it has been classified as a Variant of Uncertain Significance. An algorithm developed to predict the effect of missense changes on protein structure and function (PolyPhen-2) suggests that this variant is likely to be tolerated. This variant is not present in population databases (gnomAD no frequency). This sequence change replaces alanine, which is neutral and non-polar, with valine, which is neutral and non-polar, at codon 550 of the KCNH5 protein (p.Ala550Val).

NM_139318.5(KCNH5):c.1649C>T (p.Ala550Val)

Gene: KCNH5 (potassium voltage-gated channel subfamily H member 5; minus strand). Cytogenetic location: 14q23.2.
Variant type: single nucleotide variant.
Coding change: c.1649C>T on transcript NM_139318.5 (MANE Select); coding-DNA position 1649, C replaced by T.
Protein change: p.Ala550Val; replaces alanine 550 with valine.
Molecular consequence: missense variant.
Genome position (GRCh38, 1-based): chr14:62,802,502, G>A on the plus strand (C>T on the coding strand, the complement: KCNH5 is on the minus strand). VCF-style: chr14-62802502-G-A. GRCh37 (hg19) VCF-style: chr14-63269220-G-A.
Other names: c.1649C>T, p.Ala550Val (NM_172375.3); short protein forms A550V.
Identifiers: ClinVar variation 2858662 (VCV002858662.3), dbSNP rs2502790521, ClinGen allele CA390101927.